The following is an entry in ClinVar:

ClinVar aggregate classification (germline): Uncertain significance (1 of 4 stars; one submission).

Allele frequency attached by ClinVar (database versions not stated): gnomAD exomes below 0.00001 and 0.00002; ExAC 0.00001; gnomAD 0.00001; TOPMed 0.00001.

Submission:

Labcorp Genetics (formerly Invitae), Labcorp
Classification: Uncertain significance. Last evaluated: 2022-03-09. Review status: criteria provided, single submitter. Criteria: Invitae Variant Classification Sherloc (09022015). Collection method: clinical testing. Allele origin: germline.
Comment: This sequence change replaces leucine, which is neutral and non-polar, with methionine, which is neutral and non-polar, at codon 23 of the OR2W3 protein (p.Leu23Met). This variant is present in population databases (rs772836151, gnomAD 0.008%). This variant has not been reported in the literature in individuals affected with OR2W3-related conditions. Algorithms developed to predict the effect of missense changes on protein structure and function are either unavailable or do not agree on the potential impact of this missense change (SIFT: "Deleterious"; PolyPhen-2: "Possibly Damaging"; Align-GVGD: "Class C0"). In summary, the available evidence is currently insufficient to determine the role of this variant in disease. Therefore, it has been classified as a Variant of Uncertain Significance.

NM_001001957.2(OR2W3):c.67C>A (p.Leu23Met)

Gene: OR2W3 (olfactory receptor family 2 subfamily W member 3; plus strand). Cytogenetic location: 1q44.
Variant type: single nucleotide variant.
Coding change: c.67C>A on transcript NM_001001957.2 (MANE Select); coding-DNA position 67, C replaced by A.
Protein change: p.Leu23Met; replaces leucine 23 with methionine.
Molecular consequence: missense variant.
Genome position (GRCh38, 1-based): chr1:247,895,653, C>A. VCF-style: chr1-247895653-C-A. GRCh37 (hg19) VCF-style: chr1-248058955-C-A.
Other names: short protein forms L23M.
Identifiers: ClinVar variation 1353550 (VCV001353550.6), dbSNP rs772836151, ClinGen allele CA1498505.